The following is an entry in ClinVar:

ClinVar aggregate classification (germline): Uncertain significance (1 of 4 stars; one submission).

Conditions:
Developmental and epileptic encephalopathy, 25 (DEE25). Also called: Epileptic encephalopathy, early infantile, 25; Developmental and epileptic encephalopathy 25, with amelogenesis imperfecta; Epileptic encephalopathy, early infantile, 25, with amelogenesis imperfecta. Identifiers: Orphanet 442835, MedGen C4014621, MONDO:0014392, OMIM 615905.

Allele frequency attached by ClinVar (database versions not stated): gnomAD exomes below 0.00001; TOPMed below 0.00001; gnomAD 0.00001.
gnomAD v4.1: 3 of 1,613,104 alleles (0.00019%); highest among the groups gnomAD compares: Non-Finnish European, 0.00025%; no homozygotes.

Submission:

Labcorp Genetics (formerly Invitae), Labcorp
Classification: Uncertain significance for Developmental and epileptic encephalopathy, 25. Last evaluated: 2024-10-16. Review status: criteria provided, single submitter. Criteria: Invitae Variant Classification Sherloc (09022015). Collection method: clinical testing. Allele origin: germline.
Comment: This sequence change replaces aspartic acid, which is acidic and polar, with glycine, which is neutral and non-polar, at codon 74 of the SLC13A5 protein (p.Asp74Gly). This variant is not present in population databases (gnomAD no frequency). This variant has not been reported in the literature in individuals affected with SLC13A5-related conditions. ClinVar contains an entry for this variant (Variation ID: 2083157). Invitae Evidence Modeling of protein sequence and biophysical properties (such as structural, functional, and spatial information, amino acid conservation, physicochemical variation, residue mobility, and thermodynamic stability) indicates that this missense variant is not expected to disrupt SLC13A5 protein function with a negative predictive value of 80%. Algorithms developed to predict the effect of sequence changes on RNA splicing suggest that this variant may disrupt the consensus splice site. In summary, the available evidence is currently insufficient to determine the role of this variant in disease. Therefore, it has been classified as a Variant of Uncertain Significance.

NM_177550.5(SLC13A5):c.221A>G (p.Asp74Gly)

Gene: SLC13A5 (solute carrier family 13 member 5; minus strand). Cytogenetic location: 17p13.1.
Variant type: single nucleotide variant.
Coding change: c.221A>G on transcript NM_177550.5 (MANE Select); coding-DNA position 221, A replaced by G.
Protein change: p.Asp74Gly; replaces aspartic acid 74 with glycine.
Molecular consequence: missense variant. On other transcripts: intron variant (1).
Genome position (GRCh38, 1-based): chr17:6,707,038, T>C on the plus strand (A>G on the coding strand, the complement: SLC13A5 is on the minus strand). VCF-style: chr17-6707038-T-C. GRCh37 (hg19) VCF-style: chr17-6610357-T-C.
Other names: c.221A>G, p.Asp74Gly (NM_001143838.3, NM_001284509.2); c.103-260A>G (NM_001284510.2); short protein forms D74G.
Identifiers: ClinVar variation 2083157 (VCV002083157.4), dbSNP rs1187380199, ClinGen allele CA397751340.